The following is an entry in ClinVar:

NM_001358530.2(MOCS1):c.1355G>T (p.Arg452Leu)

Gene: MOCS1 (molybdenum cofactor synthesis 1; minus strand). Cytogenetic location: 6p21.2.
Variant type: single nucleotide variant.
Coding change: c.1355G>T on transcript NM_001358530.2 (MANE Select); coding-DNA position 1355, G replaced by T.
Protein change: p.Arg452Leu; replaces arginine 452 with leucine.
Molecular consequence: missense variant. On other transcripts: 3 prime UTR variant (4), non-coding transcript variant (1).
Genome position (GRCh38, 1-based): chr6:39,906,913, C>A on the plus strand (G>T on the coding strand, the complement: MOCS1 is on the minus strand). VCF-style: chr6-39906913-C-A. GRCh37 (hg19) VCF-style: chr6-39874689-C-A.
Other names: c.*212G>T (NM_001075098.4, NM_001358533.2, NM_001358534.2 and 1 more transcripts); c.1307G>T, p.Arg436Leu (NM_001358529.2); c.1094G>T, p.Arg365Leu (NM_001358531.2); short protein forms R365L, R452L, R436L.
Identifiers: ClinVar variation 356648 (VCV000356648.15), dbSNP rs11969206, ClinGen allele CA3795961.

ClinVar aggregate classification (germline): Benign. Review status: criteria provided, multiple submitters, no conflicts (2 of 4 stars). 3 submissions from 3 submitters: Benign (3). Last evaluated 2026-02-04.

Conditions:
Sulfite oxidase deficiency due to molybdenum cofactor deficiency type A. Also called: Molybdenum cofactor deficiency, complementation group A; Molybdenum Cofactor Deficiency A. Identifiers: Orphanet 308386, Orphanet 833, MedGen C1854988, MONDO:0009643, OMIM 252150.

Allele frequency attached by ClinVar (database versions not stated): 1000 Genomes Project 30x 0.03670; 1000 Genomes Project 0.03734; ESP Exome Variant Server 0.03960; TOPMed 0.04026.
gnomAD v4.1: 31,506 of 1,614,080 alleles (2%); highest among the groups gnomAD compares: African/African-American, 9%; 624 homozygotes.

Submissions (13):

Labcorp Genetics (formerly Invitae), Labcorp
Classification: Benign for Sulfite oxidase deficiency due to molybdenum cofactor deficiency type A. Last evaluated: 2026-02-04. Review status: criteria provided, single submitter. Criteria: Invitae Variant Classification Sherloc (09022015). Collection method: clinical testing. Allele origin: germline.

GeneDx
Classification: Benign. Last evaluated: 2021-05-13. Review status: criteria provided, single submitter. Criteria: GeneDx Variant Classification Process June 2021. Collection method: clinical testing. Allele origin: germline. Affected: yes.

Illumina Laboratory Services, Illumina
Classification: Benign for Sulfite oxidase deficiency due to molybdenum cofactor deficiency type A. Last evaluated: 2018-01-13. Review status: criteria provided, single submitter. Criteria: ICSL Variant Classification Criteria 13 December 2019. Collection method: clinical testing. Allele origin: germline.
Comment: This variant was observed in the ICSL laboratory as part of a predisposition screen in an ostensibly healthy population. It had not been previously curated by ICSL or reported in the Human Gene Mutation Database (HGMD: prior to June 1st, 2018), and was therefore a candidate for classification through an automated scoring system. Utilizing variant allele frequency, disease prevalence and penetrance estimates, and inheritance mode, an automated score was calculated to assess if this variant is too frequent to cause the disease. Based on the score and internal cut-off values, a variant classified as benign is not then subjected to further curation. The score for this variant resulted in a classification of benign for this disease.

Dr. Peter K. Rogan Lab, Western University
No classification provided (evidence only). Condition: Lung cancer. Review status: no classification provided. Collection method: in vitro. Allele origin: not applicable. Functional consequence: retained intron. Not counted in ClinVar's aggregate classification.

Dr. Peter K. Rogan Lab, Western University
No classification provided (evidence only). Condition: Lung cancer. Review status: no classification provided. Collection method: in vitro. Allele origin: not applicable. Functional consequence: retained intron. Not counted in ClinVar's aggregate classification.

Dr. Peter K. Rogan Lab, Western University
No classification provided (evidence only). Condition: Colon adenocarcinoma. Review status: no classification provided. Collection method: in vitro. Allele origin: not applicable. Functional consequence: retained intron. Not counted in ClinVar's aggregate classification.

Dr. Peter K. Rogan Lab, Western University
No classification provided (evidence only). Condition: Sarcoma. Review status: no classification provided. Collection method: in vitro. Allele origin: not applicable. Functional consequence: retained intron. Not counted in ClinVar's aggregate classification.

Dr. Peter K. Rogan Lab, Western University
No classification provided (evidence only). Condition: Sarcoma. Review status: no classification provided. Collection method: in vitro. Allele origin: not applicable. Functional consequence: retained intron. Not counted in ClinVar's aggregate classification.

Dr. Peter K. Rogan Lab, Western University
No classification provided (evidence only). Condition: Thymoma. Review status: no classification provided. Collection method: in vitro. Allele origin: not applicable. Functional consequence: retained intron. Not counted in ClinVar's aggregate classification.

Dr. Peter K. Rogan Lab, Western University
No classification provided (evidence only). Condition: Cholangiocarcinoma. Review status: no classification provided. Collection method: in vitro. Allele origin: not applicable. Functional consequence: retained intron. Not counted in ClinVar's aggregate classification.

Dr. Peter K. Rogan Lab, Western University
No classification provided (evidence only). Condition: Gastric cancer. Review status: no classification provided. Collection method: in vitro. Allele origin: not applicable. Functional consequence: retained intron. Not counted in ClinVar's aggregate classification.

Dr. Peter K. Rogan Lab, Western University
No classification provided (evidence only). Condition: Adrenocortical carcinoma, hereditary. Review status: no classification provided. Collection method: in vitro. Allele origin: not applicable. Functional consequence: retained intron. Not counted in ClinVar's aggregate classification.

Dr. Peter K. Rogan Lab, Western University
No classification provided (evidence only). Condition: Malignant tumor of esophagus. Review status: no classification provided. Collection method: in vitro. Allele origin: not applicable. Functional consequence: retained intron. Not counted in ClinVar's aggregate classification.